The following is an entry in ClinVar:

NM_001017962.3(P4HA1):c.937C>T (p.His313Tyr)

Gene: P4HA1 (prolyl 4-hydroxylase subunit alpha 1; minus strand). Cytogenetic location: 10q22.1.
Variant type: single nucleotide variant.
Coding change: c.937C>T on transcript NM_001017962.3 (MANE Select); coding-DNA position 937, C replaced by T.
Protein change: p.His313Tyr; replaces histidine 313 with tyrosine.
Molecular consequence: missense variant.
Genome position (GRCh38, 1-based): chr10:73,047,065, G>A on the plus strand (C>T on the coding strand, the complement: P4HA1 is on the minus strand). VCF-style: chr10-73047065-G-A. GRCh37 (hg19) VCF-style: chr10-74806823-G-A.
Other names: c.937C>T, p.His313Tyr (NM_000917.4, NM_001142595.2, NM_001142596.2); short protein forms H313Y.
Identifiers: ClinVar variation 3038341 (VCV003038341.2), dbSNP rs144541240, ClinGen allele CA5551615.

ClinVar aggregate classification (germline): Benign (0 of 4 stars; one submission).

Conditions:
P4HA1-related disorder. Also called: P4HA1-related condition.

Allele frequency attached by ClinVar (database versions not stated): gnomAD exomes 0.00033; ExAC 0.00117; ESP Exome Variant Server 0.00331; gnomAD 0.00358; 1000 Genomes Project 0.00459; 1000 Genomes Project 30x 0.00468.
gnomAD v4.1: 1,033 of 1,613,678 alleles (0.064%); highest among the groups gnomAD compares: African/African-American, 1.2%; 6 homozygotes.

Submission:

PreventionGenetics, part of Exact Sciences
Classification: Benign for P4HA1-related condition. Last evaluated: 2019-05-01. Review status: no assertion criteria provided. Collection method: clinical testing. Allele origin: germline.
Comment: This variant is classified as benign based on ACMG/AMP sequence variant interpretation guidelines (Richards et al. 2015 PMID: 25741868, with internal and published modifications).